The following is an entry in ClinVar:

ClinVar aggregate classification (germline): Uncertain significance. Review status: criteria provided, multiple submitters, no conflicts (2 of 4 stars). 3 submissions from 3 submitters: Uncertain significance (3). Last evaluated 2022-10-11.

Conditions:
Familial cancer of breast. Also called: BREAST CANCER, FAMILIAL; Hereditary breast cancer; hereditary breast carcinoma. Identifiers: Orphanet 227535, MedGen C0346153, MONDO:0016419, OMIM 114480. Disease mechanism: loss of function.
Hereditary cancer-predisposing syndrome. Also called: Neoplastic Syndromes, Hereditary; Hereditary Cancer Syndrome; Hereditary neoplastic syndrome; Tumor predisposition. Identifiers: Orphanet 140162, MedGen C0027672, MeSH D009386, MONDO:0015356.

Allele frequency attached by ClinVar (database versions not stated): gnomAD exomes below 0.00001; TOPMed below 0.00001.
gnomAD v4.1: 5 of 1,613,602 alleles (0.00031%); highest among the groups gnomAD compares: Non-Finnish European, 0.00034%; no homozygotes.

Submissions (3):

Labcorp Genetics (formerly Invitae), Labcorp
Classification: Uncertain significance for Familial cancer of breast. Last evaluated: 2022-10-11. Review status: criteria provided, single submitter. Criteria: Invitae Variant Classification Sherloc (09022015). Collection method: clinical testing. Allele origin: germline.
Comment: In summary, the available evidence is currently insufficient to determine the role of this variant in disease. Therefore, it has been classified as a Variant of Uncertain Significance. Advanced modeling of protein sequence and biophysical properties (such as structural, functional, and spatial information, amino acid conservation, physicochemical variation, residue mobility, and thermodynamic stability) has been performed at Invitae for this missense variant, however the output from this modeling did not meet the statistical confidence thresholds required to predict the impact of this variant on PALB2 protein function. ClinVar contains an entry for this variant (Variation ID: 460946). This variant has not been reported in the literature in individuals affected with PALB2-related conditions. This variant is present in population databases (no rsID available, gnomAD no frequency). This sequence change replaces proline, which is neutral and non-polar, with serine, which is neutral and polar, at codon 845 of the PALB2 protein (p.Pro845Ser).

Ambry Genetics
Classification: Uncertain significance for Hereditary cancer-predisposing syndrome. Last evaluated: 2022-05-04. Review status: criteria provided, single submitter. Criteria: Ambry Variant Classification Scheme 2023. Collection method: clinical testing. Allele origin: germline.
Comment: The p.P845S variant (also known as c.2533C>T), located in coding exon 6 of the PALB2 gene, results from a C to T substitution at nucleotide position 2533. The proline at codon 845 is replaced by serine, an amino acid with similar properties. This amino acid position is conserved. In addition, this alteration is predicted to be tolerated by in silico analysis. Since supporting evidence is limited at this time, the clinical significance of this alteration remains unclear.

Color Diagnostics, LLC DBA Color Health
Classification: Uncertain significance for Hereditary cancer-predisposing syndrome. Last evaluated: 2019-03-23. Review status: criteria provided, single submitter. Criteria: ACMG Guidelines, 2015. Collection method: clinical testing. Allele origin: germline.

NM_024675.4(PALB2):c.2533C>T (p.Pro845Ser)

Gene: PALB2 (partner and localizer of BRCA2; minus strand). Cytogenetic location: 16p12.2.
Variant type: single nucleotide variant.
Coding change: c.2533C>T on transcript NM_024675.4 (MANE Select); coding-DNA position 2533, C replaced by T.
Protein change: p.Pro845Ser; replaces proline 845 with serine.
Molecular consequence: missense variant.
Genome position (GRCh38, 1-based): chr16:23,629,257, G>A on the plus strand (C>T on the coding strand, the complement: PALB2 is on the minus strand). VCF-style: chr16-23629257-G-A. GRCh37 (hg19) VCF-style: chr16-23640578-G-A.
Other names: short protein forms P845S.
Identifiers: ClinVar variation 460946 (VCV000460946.17), dbSNP rs1167924094, ClinGen allele CA395123830.
Genomic context (GRCh38, chr16:23,629,257, plus strand): 5'-TTCTGACCTTTAACTCTGAAACCAATTGTAGGTTGCCTGGGTTTATGCTATCAGAAGCAG[G>A]AAGCTCTGCTGTTTCAGTCTGTGAAAACAAAAGTCACATCATTAGTCTACACTTTATGTA-3'
Protein context (NP_078951.2, residues 835-855): SVEQTETAEL[Pro845Ser]ASDSINPGNL